The following is an entry in ClinVar:

NM_002335.4(LRP5):c.3106C>T (p.Arg1036Trp)

Gene: LRP5 (LDL receptor related protein 5; plus strand). Cytogenetic location: 11q13.2.
Variant type: single nucleotide variant.
Coding change: c.3106C>T on transcript NM_002335.4 (MANE Select); coding-DNA position 3106, C replaced by T.
Protein change: p.Arg1036Trp; replaces arginine 1036 with tryptophan.
Molecular consequence: missense variant.
Genome position (GRCh38, 1-based): chr11:68,423,567, C>T. VCF-style: chr11-68423567-C-T. GRCh37 (hg19) VCF-style: chr11-68191035-C-T.
Other names: c.1363C>T, p.Arg455Trp (NM_001291902.2); c.3106C>T (NM_002335.2); short protein forms R1036W, R455W.
Identifiers: ClinVar variation 855866 (VCV000855866.10), dbSNP rs780281215, ClinGen allele CA6149850.

ClinVar aggregate classification (germline): Uncertain significance. Review status: criteria provided, multiple submitters, no conflicts (2 of 4 stars). 2 submissions from 2 submitters: Uncertain significance (2). Last evaluated 2025-10-28.

Allele frequency attached by ClinVar (database versions not stated): ExAC 0.00001; gnomAD 0.00001; gnomAD exomes 0.00001 and 0.00002; TOPMed 0.00003.
gnomAD v4.1: 16 of 1,614,104 alleles (0.00099%); highest among the groups gnomAD compares: African/African-American, 0.0027%; no homozygotes.

Submissions (2):

Labcorp Genetics (formerly Invitae), Labcorp
Classification: Uncertain significance. Last evaluated: 2025-10-28. Review status: criteria provided, single submitter. Criteria: Invitae Variant Classification Sherloc (09022015). Collection method: clinical testing. Allele origin: germline.
Comment: This sequence change replaces arginine, which is basic and polar, with tryptophan, which is neutral and slightly polar, at codon 1036 of the LRP5 protein (p.Arg1036Trp). This variant is present in population databases (rs780281215, gnomAD 0.002%). This variant has not been reported in the literature in individuals affected with LRP5-related conditions. ClinVar contains an entry for this variant (Variation ID: 855866). Invitae Evidence Modeling of protein sequence and biophysical properties (such as structural, functional, and spatial information, amino acid conservation, physicochemical variation, residue mobility, and thermodynamic stability) has been performed for this missense variant. However, the output from this modeling did not meet the statistical confidence thresholds required to predict the impact of this variant on LRP5 protein function. In summary, the available evidence is currently insufficient to determine the role of this variant in disease. Therefore, it has been classified as a Variant of Uncertain Significance.

GeneDx
Classification: Uncertain significance. Last evaluated: 2025-05-09. Review status: criteria provided, single submitter. Criteria: GeneDx Variant Classification Process June 2021. Collection method: clinical testing. Allele origin: germline. Affected: yes.
Comment: In silico analysis supports that this missense variant has a deleterious effect on protein structure/function; Has not been previously published as pathogenic or benign to our knowledge